The following is an entry in ClinVar:

ClinVar aggregate classification (germline): Pathogenic (1 of 4 stars; one submission).

Conditions:
Familial hemophagocytic lymphohistiocytosis 3 (FHL3). Also called: UNC13D-Related Familial Hemophagocytic Lymphohistiocytosis (UNC13D-fHLH). Identifiers: Orphanet 540, MedGen C1837174, MONDO:0012146, OMIM 608898.

Submission:

Labcorp Genetics (formerly Invitae), Labcorp
Classification: Pathogenic for Familial hemophagocytic lymphohistiocytosis 3. Last evaluated: 2025-10-21. Review status: criteria provided, single submitter. Criteria: Invitae Variant Classification Sherloc (09022015). Collection method: clinical testing. Allele origin: germline.
Comment: This sequence change creates a premature translational stop signal (p.Arg957Glyfs*72) in the UNC13D gene. It is expected to result in an absent or disrupted protein product. Loss-of-function variants in UNC13D are known to be pathogenic (PMID: 14622600). This variant is not present in population databases (gnomAD no frequency). This variant has not been reported in the literature in individuals affected with UNC13D-related conditions. ClinVar contains an entry for this variant (Variation ID: 2748530). For these reasons, this variant has been classified as Pathogenic.

Literature cited by the submitters: PubMed 14622600.

NM_199242.3(UNC13D):c.2868del (p.Arg957fs)

Genes: UNC13D (unc-13 homolog D; minus strand), LOC112533672 (Sharpr-MPRA regulatory region 1193; plus strand). Cytogenetic location: 17q25.1.
Variant type: Deletion.
Coding change: c.2868del on transcript NM_199242.3 (MANE Select); coding-DNA position 2868, one base deleted (C; older notation c.2868delC).
Protein change: p.Arg957fs; shifts the reading frame from arginine 957.
Molecular consequence: frameshift variant.
Genome position (GRCh38, 1-based): chr17:75,830,114, G deleted on the plus strand (C on the coding strand, the reverse complement: UNC13D is on the minus strand); the first of 3 consecutive G bases (chr17:75,830,114-75,830,116); deleting any one gives the same sequence. VCF-style (leftmost placement, unchanged base first): chr17-75830113-TG-T. GRCh37 (hg19) VCF-style: chr17-73826194-TG-T.
Other names: short protein forms R957fs.
Identifiers: ClinVar variation 2748530 (VCV002748530.3), dbSNP rs2545976434, ClinGen allele CA2697555178.